The following is an entry in ClinVar:

NM_001364564.1(SALL2):c.134C>T (p.Thr45Ile)

Gene: SALL2 (spalt like transcription factor 2; minus strand). Cytogenetic location: 14q11.2.
Variant type: single nucleotide variant.
Coding change: c.134C>T on transcript NM_001364564.1 (MANE Select); coding-DNA position 134, C replaced by T.
Protein change: p.Thr45Ile; replaces threonine 45 with isoleucine.
Molecular consequence: missense variant. On other transcripts: non-coding transcript variant (2).
Genome position (GRCh38, 1-based): chr14:21,525,588, G>A on the plus strand (C>T on the coding strand, the complement: SALL2 is on the minus strand). VCF-style: chr14-21525588-G-A. GRCh37 (hg19) VCF-style: chr14-21993722-G-A.
Other names: c.140C>T, p.Thr47Ile (NM_005407.3, NM_001291446.2); c.134C>T, p.Thr45Ile (NM_001291447.2); short protein forms T45I, T47I.
Identifiers: ClinVar variation 2463676 (VCV002463676.4), dbSNP rs756929275, ClinGen allele CA7093915.

ClinVar aggregate classification (germline): Uncertain significance. Review status: criteria provided, multiple submitters, no conflicts (2 of 4 stars). 2 submissions from 2 submitters: Uncertain significance (2). Last evaluated 2024-03-20.

gnomAD v4.1: 44 of 1,612,130 alleles (0.0027%); highest among the groups gnomAD compares: Non-Finnish European, 0.0037%; no homozygotes.

Submissions (2):

Labcorp Genetics (formerly Invitae), Labcorp
Classification: Uncertain significance. Last evaluated: 2024-03-20. Review status: criteria provided, single submitter. Criteria: Invitae Variant Classification Sherloc (09022015). Collection method: clinical testing. Allele origin: germline.
Comment: This sequence change replaces threonine, which is neutral and polar, with isoleucine, which is neutral and non-polar, at codon 47 of the SALL2 protein (p.Thr47Ile). This variant is present in population databases (rs756929275, gnomAD 0.004%). This variant has not been reported in the literature in individuals affected with SALL2-related conditions. An algorithm developed to predict the effect of missense changes on protein structure and function (PolyPhen-2) suggests that this variant is likely to be tolerated. In summary, the available evidence is currently insufficient to determine the role of this variant in disease. Therefore, it has been classified as a Variant of Uncertain Significance.

Ambry Genetics
Classification: Uncertain significance. Last evaluated: 2023-01-10. Review status: criteria provided, single submitter. Criteria: Ambry Variant Classification Scheme 2023. Collection method: clinical testing. Allele origin: germline.